The following is an entry in ClinVar:

ClinVar aggregate classification (germline): Uncertain significance. Review status: criteria provided, multiple submitters, no conflicts (2 of 4 stars). 2 submissions from 2 submitters: Uncertain significance (2). Last evaluated 2022-08-23.

Conditions:
Primary ciliary dyskinesia 28. Also called: CILIARY DYSKINESIA, PRIMARY, 28, WITH OR WITHOUT SITUS INVERSUS. Identifiers: Orphanet 244, MedGen C3809706, MONDO:0014216, OMIM 615505.

Allele frequency attached by ClinVar (database versions not stated): gnomAD exomes 0.00005; ExAC 0.00007; ESP Exome Variant Server 0.00008; gnomAD 0.00018 and 0.00019; TOPMed 0.00025; 1000 Genomes Project 30x 0.00062; 1000 Genomes Project 0.00080.
gnomAD v4.1: 69 of 1,497,902 alleles (0.0046%); highest among the groups gnomAD compares: African/African-American, 0.025%; no homozygotes.

Submissions (2):

Labcorp Genetics (formerly Invitae), Labcorp
Classification: Uncertain significance for Primary ciliary dyskinesia 28. Last evaluated: 2022-08-23. Review status: criteria provided, single submitter. Criteria: Invitae Variant Classification Sherloc (09022015). Collection method: clinical testing. Allele origin: germline.
Comment: This sequence change replaces alanine, which is neutral and non-polar, with valine, which is neutral and non-polar, at codon 159 of the SPAG1 protein (p.Ala159Val). This variant is present in population databases (rs370505284, gnomAD 0.04%). This missense change has been observed in individual(s) with clinical features of SPAG1-related conditions (Invitae). ClinVar contains an entry for this variant (Variation ID: 474663). Algorithms developed to predict the effect of missense changes on protein structure and function (SIFT, PolyPhen-2, Align-GVGD) all suggest that this variant is likely to be tolerated. In summary, the available evidence is currently insufficient to determine the role of this variant in disease. Therefore, it has been classified as a Variant of Uncertain Significance.

Revvity Omics, Revvity
Classification: Uncertain significance for Primary ciliary dyskinesia 28. Last evaluated: 2021-11-18. Review status: criteria provided, single submitter. Criteria: ACMG Guidelines, 2015. Collection method: clinical testing. Allele origin: germline.

NM_003114.5(SPAG1):c.476C>T (p.Ala159Val)

Gene: SPAG1 (sperm associated antigen 1; plus strand). Cytogenetic location: 8q22.2.
Variant type: single nucleotide variant.
Coding change: c.476C>T on transcript NM_003114.5 (MANE Select); coding-DNA position 476, C replaced by T.
Protein change: p.Ala159Val; replaces alanine 159 with valine.
Molecular consequence: missense variant.
Genome position (GRCh38, 1-based): chr8:100,183,424, C>T. VCF-style: chr8-100183424-C-T. GRCh37 (hg19) VCF-style: chr8-101195652-C-T.
Other names: c.476C>T, p.Ala159Val (NM_001374321.1, NM_172218.3); short protein forms A159V.
Identifiers: ClinVar variation 474663 (VCV000474663.9), dbSNP rs370505284, ClinGen allele CA4827267.